The following is an entry in ClinVar:

ClinVar aggregate classification (germline): Pathogenic (1 of 4 stars; one submission).

Submission:

Labcorp Genetics (formerly Invitae), Labcorp
Classification: Pathogenic. Last evaluated: 2023-09-08. Review status: criteria provided, single submitter. Criteria: Invitae Variant Classification Sherloc (09022015). Collection method: clinical testing. Allele origin: germline.
Comment: For these reasons, this variant has been classified as Pathogenic. ClinVar contains an entry for this variant (Variation ID: 1951902). This variant has not been reported in the literature in individuals affected with ATF6-related conditions. This variant is not present in population databases (gnomAD no frequency). This sequence change creates a premature translational stop signal (p.Ser16*) in the ATF6 gene. It is expected to result in an absent or disrupted protein product. Loss-of-function variants in ATF6 are known to be pathogenic (PMID: 26029869, 26063662, 26070061).

Literature cited by the submitters: PubMed 26029869; PubMed 26063662; PubMed 26070061.

NM_007348.4(ATF6):c.45dup (p.Ser16Ter)

Gene: ATF6 (activating transcription factor 6; plus strand). Cytogenetic location: 1q23.3.
Variant type: Duplication.
Coding change: c.45dup on transcript NM_007348.4 (MANE Select); coding-DNA position 45, one base duplicated (T; older notation c.45dupT).
Protein change: p.Ser16Ter; replaces serine 16 with a stop codon.
Molecular consequence: nonsense. On other transcripts: frameshift variant (1).
Genome position (GRCh38, 1-based): chr1:161,766,405, T duplicated; the last of 4 consecutive T bases (chr1:161,766,402-161,766,405); duplicating any one gives the same sequence. VCF-style (leftmost placement, unchanged base first): chr1-161766401-C-CT. GRCh37 (hg19) VCF-style: chr1-161736191-C-CT.
Other names: c.45dup, p.Ser16Terfs (NM_001410890.1); short protein forms S16*.
Identifiers: ClinVar variation 1951902 (VCV001951902.5), dbSNP rs1379407031, ClinGen allele CA890246956.